The following is an entry in ClinVar:

NM_000051.4(ATM):c.2993T>C (p.Val998Ala)

Gene: ATM (ATM serine/threonine kinase; plus strand). Cytogenetic location: 11q22.3.
Variant type: single nucleotide variant.
Coding change: c.2993T>C on transcript NM_000051.4 (MANE Select); coding-DNA position 2993, T replaced by C.
Protein change: p.Val998Ala; replaces valine 998 with alanine.
Molecular consequence: missense variant.
Genome position (GRCh38, 1-based): chr11:108,271,322, T>C. VCF-style: chr11-108271322-T-C. GRCh37 (hg19) VCF-style: chr11-108142049-T-C.
Other names: c.2993T>C, p.Val998Ala (NM_001351834.2); short protein forms V998A.
Identifiers: ClinVar variation 3232740 (VCV003232740.1), dbSNP rs2135553024, ClinGen allele CA382547363.

ClinVar aggregate classification (germline): Uncertain significance (1 of 4 stars; one submission).

Conditions:
Hereditary cancer-predisposing syndrome. Also called: Neoplastic Syndromes, Hereditary; Tumor predisposition; Hereditary neoplastic syndrome; Hereditary Cancer Syndrome. Identifiers: Orphanet 140162, MedGen C0027672, MeSH D009386, MONDO:0015356.

Submission:

Ambry Genetics
Classification: Uncertain significance for Hereditary cancer-predisposing syndrome. Last evaluated: 2023-02-16. Review status: criteria provided, single submitter. Criteria: Ambry Variant Classification Scheme 2023. Collection method: clinical testing. Allele origin: germline.
Comment: The p.V998A variant (also known as c.2993T>C), located in coding exon 19 of the ATM gene, results from a T to C substitution at nucleotide position 2993. The valine at codon 998 is replaced by alanine, an amino acid with similar properties. This amino acid position is conserved. In addition, this alteration is predicted to be tolerated by in silico analysis. Since supporting evidence is limited at this time, the clinical significance of this alteration remains unclear.